The following is an entry in ClinVar:

ClinVar aggregate classification (germline): Uncertain significance. Review status: criteria provided, multiple submitters, no conflicts (2 of 4 stars). 2 submissions from 2 submitters: Uncertain significance (2). Last evaluated 2025-03-21.

Conditions:
Bethlem myopathy 1A. Also called: MYOPATHY, BENIGN CONGENITAL, WITH CONTRACTURES; Bethlem myopathy 1; Bethlem Muscular Dystrophy. Identifiers: Orphanet 610, MedGen CN029274, MONDO:0024530, OMIM 158810.

gnomAD v4.1: 6 of 1,613,980 alleles (0.00037%); highest among the groups gnomAD compares: South Asian, 0.0022%; no homozygotes.

Submissions (2):

GeneDx
Classification: Uncertain significance. Last evaluated: 2025-03-21. Review status: criteria provided, single submitter. Criteria: GeneDx Variant Classification Process June 2021. Collection method: clinical testing. Allele origin: germline. Affected: yes.
Comment: Not observed at significant frequency in large population cohorts (gnomAD); In silico analysis indicates that this missense variant does not alter protein structure/function; Has not been previously published as pathogenic or benign to our knowledge

Labcorp Genetics (formerly Invitae), Labcorp
Classification: Uncertain significance for Bethlem myopathy 1A. Last evaluated: 2025-01-18. Review status: criteria provided, single submitter. Criteria: Invitae Variant Classification Sherloc (09022015). Collection method: clinical testing. Allele origin: germline.
Comment: This sequence change replaces aspartic acid, which is acidic and polar, with asparagine, which is neutral and polar, at codon 395 of the COL6A3 protein (p.Asp395Asn). This variant is not present in population databases (gnomAD no frequency). This variant has not been reported in the literature in individuals affected with COL6A3-related conditions. Invitae Evidence Modeling of protein sequence and biophysical properties (such as structural, functional, and spatial information, amino acid conservation, physicochemical variation, residue mobility, and thermodynamic stability) indicates that this missense variant is not expected to disrupt COL6A3 protein function with a negative predictive value of 95%. In summary, the available evidence is currently insufficient to determine the role of this variant in disease. Therefore, it has been classified as a Variant of Uncertain Significance.

NM_004369.4(COL6A3):c.1183G>A (p.Asp395Asn)

Gene: COL6A3 (collagen type VI alpha 3 chain; minus strand). Cytogenetic location: 2q37.3.
Variant type: single nucleotide variant.
Coding change: c.1183G>A on transcript NM_004369.4 (MANE Select); coding-DNA position 1183, G replaced by A.
Protein change: p.Asp395Asn; replaces aspartic acid 395 with asparagine.
Molecular consequence: missense variant. On other transcripts: intron variant (2).
Genome position (GRCh38, 1-based): chr2:237,387,711, C>T on the plus strand (G>A on the coding strand, the complement: COL6A3 is on the minus strand). VCF-style: chr2-237387711-C-T. GRCh37 (hg19) VCF-style: chr2-238296354-C-T.
Other names: c.565G>A, p.Asp189Asn (NM_057165.5, NM_057167.4); c.92-6212G>A (NM_057166.5, NM_057164.5); short protein forms D189N, D395N.
Identifiers: ClinVar variation 3711704 (VCV003711704.3).